The following is an entry in ClinVar:

NM_000440.3(PDE6A):c.2332_2335del (p.Asp778fs)

Gene: PDE6A (phosphodiesterase 6A; minus strand). Cytogenetic location: 5q32.
Variant type: Deletion.
Coding change: c.2332_2335del on transcript NM_000440.3 (MANE Select); coding-DNA positions 2332 to 2335, 4 bases deleted (GACT; older notation c.2332_2335delGACT).
Protein change: p.Asp778fs; shifts the reading frame from aspartic acid 778.
Molecular consequence: frameshift variant.
Genome position (GRCh38, 1-based): chr5:149,866,193-149,866,196, AGTC deleted on the plus strand (GACT on the coding strand, the reverse complement: PDE6A is on the minus strand); deleting any 4 consecutive bases within chr5:149,866,193-149,866,197 gives the same sequence; the c. name uses the placement nearest the transcript's 3' end. VCF-style (leftmost placement, unchanged base first): chr5-149866192-AAGTC-A. GRCh37 (hg19) VCF-style: chr5-149245755-AAGTC-A.
Other names: c.2332_2335delGACT (NM_000440.2); short protein forms D778fs.
Identifiers: ClinVar variation 195462 (VCV000195462.20), dbSNP rs754012367, ClinGen allele CA275094.

ClinVar aggregate classification (germline): Pathogenic/Likely pathogenic. Review status: criteria provided, multiple submitters, no conflicts (2 of 4 stars). 10 submissions from 10 submitters: Pathogenic (7); Likely pathogenic (2). 1 of the submissions does not count toward it. Last evaluated 2025-10-21.

Conditions:
PDE6A-related disorder. Also called: PDE6A-related condition.
Retinal dystrophy. Also called: Inherited retinal dystrophy. Identifiers: Orphanet 71862, MedGen C0854723, MeSH D058499, MONDO:0019118, HP:0000556.
Retinitis pigmentosa (RP). Identifiers: Orphanet 791, MedGen C0035334, MeSH D012174, MONDO:0019200, OMIM 268000. Inheritance: Autosomal dominant, autosomal recessive and X linked inheritance.
Retinitis pigmentosa 43 (RP43). Identifiers: Orphanet 791, MedGen C3151139, MONDO:0013437, OMIM 613810.

Submissions (10):

PreventionGenetics, part of Exact Sciences
Classification: Pathogenic for PDE6A-related condition. Last evaluated: 2025-10-21. Review status: criteria provided, single submitter. Criteria: ACMG Guidelines, 2015. Collection method: clinical testing. Allele origin: germline.
Comment: The PDE6A c.2332_2335delGACT variant is predicted to result in a frameshift and premature protein termination (p.Asp778Leufs*42). This variant has been reported along with a second PDE6A variant in individuals with retinitis pigmentosa (Kuehlewein et al. 2020. PubMed ID: 33057649; supplementary data, Weisschuh et al. 2024. PubMed ID: 37734845). This variant is present in 0.0054% of alleles in individuals of European (Non-Finnish) descent in gnomAD. Frameshift variants in PDE6A are an established mechanism of disease. This variant is interpreted as pathogenic.

Labcorp Genetics (formerly Invitae), Labcorp
Classification: Pathogenic. Last evaluated: 2025-10-14. Review status: criteria provided, single submitter. Criteria: Invitae Variant Classification Sherloc (09022015). Collection method: clinical testing. Allele origin: germline.
Comment: This sequence change creates a premature translational stop signal (p.Asp778Leufs*42) in the PDE6A gene. It is expected to result in an absent or disrupted protein product. Loss-of-function variants in PDE6A are known to be pathogenic (PMID: 7493036, 22128245, 23847139). This variant is present in population databases (rs754012367, gnomAD 0.005%). This premature translational stop signal has been observed in individual(s) with retinitis pigmentosa (PMID: 30718709). ClinVar contains an entry for this variant (Variation ID: 195462). For these reasons, this variant has been classified as Pathogenic.

Blueprint Genetics
Classification: Pathogenic for PDE6A-related disorders. Last evaluated: 2024-11-21. Review status: criteria provided, single submitter. Criteria: ACMG Guidelines, 2015. Collection method: clinical testing. Allele origin: germline. Affected: yes. Observed: 5 variant alleles.

Fulgent Genetics
Classification: Pathogenic for Retinitis pigmentosa 43. Last evaluated: 2024-04-25. Review status: criteria provided, single submitter. Criteria: ACMG Guidelines, 2015. Collection method: clinical testing. Allele origin: germline.

MGZ Medical Genetics Center
Classification: Likely pathogenic for Retinitis pigmentosa 43. Last evaluated: 2022-05-23. Review status: criteria provided, single submitter. Criteria: ACMG Guidelines, 2015. Collection method: clinical testing. Allele origin: germline. Affected: yes. Observed: 1 variant allele.
Comment: ACMG criteria applied: PVS1_MOD, PS4_MOD, PM3, PM2_SUP

Ocular Genomics Institute, Massachusetts Eye and Ear
Classification: Pathogenic for Retinitis pigmentosa 43. Last evaluated: 2021-04-08. Review status: criteria provided, single submitter. Criteria: ACMG Guidelines, 2015. Collection method: research. Allele origin: germline. Affected: yes.
Comment: Through a review of available evidence we were able to apply the following criteria: PVS1, PM2, PP3. Based on this evidence we have classified this variant as Pathogenic.

Institute of Medical Genetics and Applied Genomics, University Hospital Tübingen
Classification: Likely pathogenic. Last evaluated: 2020-10-23. Review status: criteria provided, single submitter. Criteria: ACMG Guidelines, 2015. Collection method: clinical testing. Allele origin: germline. Inheritance: Unknown mechanism. Affected: yes.

Eurofins Ntd Llc (ga)
Classification: Pathogenic. Last evaluated: 2015-02-02. Review status: criteria provided, single submitter. Criteria: EGL Classification Definitions 2015. Collection method: clinical testing. Allele origin: germline. Observed: 1 variant allele, 1 heterozygote.

Institute of Human Genetics, Univ. Regensburg, Univ. Regensburg
Classification: Pathogenic for Retinal dystrophy. Last evaluated: 2015-01-01. Review status: criteria provided, single submitter. Criteria: ACMG Guidelines, 2015. Collection method: clinical testing. Allele origin: germline. Affected: yes.

Department of Clinical Genetics, Copenhagen University Hospital, Rigshospitalet
Classification: Pathogenic for Retinitis pigmentosa. Last evaluated: 2018-04-01. Review status: no assertion criteria provided. Collection method: research. Allele origin: unknown. Affected: yes. Study: VeluxRD. Not counted in ClinVar's aggregate classification.

Literature cited by the submitters: PubMed 7493036 (cited by Labcorp Genetics (formerly Invitae), Labcorp); PubMed 22128245 (cited by Labcorp Genetics (formerly Invitae), Labcorp); PubMed 23847139 (cited by Labcorp Genetics (formerly Invitae), Labcorp); PubMed 30718709 (cited by 3 submitters); PubMed 33057649 (cited by Institute of Human Genetics, Univ. Regensburg, Univ. Regensburg); PubMed 3196484 (cited by Institute of Human Genetics, Univ. Regensburg, Univ. Regensburg).